The following is an entry in ClinVar:

NM_002230.4(JUP):c.584A>G (p.Asn195Ser)

Gene: JUP (junction plakoglobin; minus strand). Cytogenetic location: 17q21.2.
Variant type: single nucleotide variant.
Coding change: c.584A>G on transcript NM_002230.4 (MANE Select); coding-DNA position 584, A replaced by G.
Protein change: p.Asn195Ser; replaces asparagine 195 with serine.
Molecular consequence: missense variant.
Genome position (GRCh38, 1-based): chr17:41,769,092, T>C on the plus strand (A>G on the coding strand, the complement: JUP is on the minus strand). VCF-style: chr17-41769092-T-C. GRCh37 (hg19) VCF-style: chr17-39925344-T-C.
Other names: c.584A>G, p.Asn195Ser (NM_001352773.2, NM_001352774.2, NM_001352775.2 and 3 more transcripts); short protein forms N195S.
Identifiers: ClinVar variation 4089564 (VCV004089564.1).

ClinVar aggregate classification (germline): Uncertain significance (1 of 4 stars; one submission).

Conditions:
Cardiovascular phenotype. Identifiers: MedGen CN230736.

Submission:

Ambry Genetics
Classification: Uncertain significance for Cardiovascular phenotype. Last evaluated: 2025-08-28. Review status: criteria provided, single submitter. Criteria: Ambry Variant Classification Scheme 2023. Collection method: clinical testing. Allele origin: germline.
Comment: The p.N195S variant (also known as c.584A>G), located in coding exon 3 of the JUP gene, results from an A to G substitution at nucleotide position 584. The asparagine at codon 195 is replaced by serine, an amino acid with highly similar properties. This amino acid position is conserved. In addition, this alteration is predicted to be tolerated by in silico analysis. Based on the available evidence, the clinical significance of this variant remains unclear.